The following is an entry in ClinVar:

ClinVar aggregate classification (germline): Uncertain significance (1 of 4 stars; one submission).

Submission:

Ambry Genetics
Classification: Uncertain significance. Last evaluated: 2022-11-23. Review status: criteria provided, single submitter. Criteria: Ambry Variant Classification Scheme 2023. Collection method: clinical testing. Allele origin: germline.
Comment: The p.K1465N variant (also known as c.4395G>C), located in coding exon 16 of the POLQ gene, results from a G to C substitution at nucleotide position 4395. The lysine at codon 1465 is replaced by asparagine, an amino acid with similar properties. This amino acid position is conserved. In addition, this alteration is predicted to be tolerated by in silico analysis. Since supporting evidence is limited at this time, the clinical significance of this alteration remains unclear.

NM_199420.4(POLQ):c.4395G>C (p.Lys1465Asn)

Gene: POLQ (DNA polymerase theta; minus strand). Cytogenetic location: 3q13.33.
Variant type: single nucleotide variant.
Coding change: c.4395G>C on transcript NM_199420.4 (MANE Select); coding-DNA position 4395, G replaced by C.
Protein change: p.Lys1465Asn; replaces lysine 1465 with asparagine.
Molecular consequence: missense variant.
Genome position (GRCh38, 1-based): chr3:121,488,536, C>G on the plus strand (G>C on the coding strand, the complement: POLQ is on the minus strand). VCF-style: chr3-121488536-C-G. GRCh37 (hg19) VCF-style: chr3-121207383-C-G.
Other names: short protein forms K1465N.
Identifiers: ClinVar variation 2448916 (VCV002448916.2), dbSNP rs2546785944, ClinGen allele CA354095241.
Genomic context (GRCh38, chr3:121,488,536, plus strand): 5'-CATATTCAAACTTGTTTCAGGAACTGGAAGACATTCTCCTTCTACACCAGTGGGAGTTCT[C>G]TTTTGAGGAATCAGAAGTATAACTGGTTTCACAGTTTCTTGTGTTTGATAACCTTGAAGA-3'
Protein context (NP_955452.3, residues 1455-1475): VKPVILLIPQ[Lys1465Asn]RTPTGVEGEC